The following is an entry in ClinVar:

ClinVar aggregate classification (germline): Uncertain significance. Review status: criteria provided, multiple submitters, no conflicts (2 of 4 stars). 2 submissions from 2 submitters: Uncertain significance (2). Last evaluated 2025-05-01.

Conditions:
Hereditary cancer-predisposing syndrome. Also called: Hereditary Cancer Syndrome; Hereditary neoplastic syndrome; Tumor predisposition; Neoplastic Syndromes, Hereditary. Identifiers: Orphanet 140162, MedGen C0027672, MeSH D009386, MONDO:0015356.
Oligodontia-cancer predisposition syndrome. Also called: TOOTH AGENESIS-COLORECTAL CANCER SYNDROME. Identifiers: Orphanet 300576, MedGen C1837750, MONDO:0012075, OMIM 608615. Disease mechanism: loss of function.

Allele frequency attached by ClinVar (database versions not stated): gnomAD exomes below 0.00001.
gnomAD v4.1: 1 of 1,613,708 alleles (0.000062%); highest among the groups gnomAD compares: Non-Finnish European, 0.000085%; no homozygotes.

Submissions (2):

Labcorp Genetics (formerly Invitae), Labcorp
Classification: Uncertain significance for Oligodontia-cancer predisposition syndrome. Last evaluated: 2025-05-01. Review status: criteria provided, single submitter. Criteria: Invitae Variant Classification Sherloc (09022015). Collection method: clinical testing. Allele origin: germline.
Comment: This sequence change replaces aspartic acid, which is acidic and polar, with histidine, which is basic and polar, at codon 618 of the AXIN2 protein (p.Asp618His). This variant is not present in population databases (gnomAD no frequency). This variant has not been reported in the literature in individuals affected with AXIN2-related conditions. ClinVar contains an entry for this variant (Variation ID: 1400168). Invitae Evidence Modeling of protein sequence and biophysical properties (such as structural, functional, and spatial information, amino acid conservation, physicochemical variation, residue mobility, and thermodynamic stability) indicates that this missense variant is not expected to disrupt AXIN2 protein function with a negative predictive value of 80%. In summary, the available evidence is currently insufficient to determine the role of this variant in disease. Therefore, it has been classified as a Variant of Uncertain Significance.

Ambry Genetics
Classification: Uncertain significance for Hereditary cancer-predisposing syndrome. Last evaluated: 2024-08-12. Review status: criteria provided, single submitter. Criteria: Ambry Variant Classification Scheme 2023. Collection method: clinical testing. Allele origin: germline.
Comment: The p.D618H variant (also known as c.1852G>C), located in coding exon 6 of the AXIN2 gene, results from a G to C substitution at nucleotide position 1852. The aspartic acid at codon 618 is replaced by histidine, an amino acid with similar properties. This amino acid position is conserved. In addition, this alteration is predicted to be tolerated by in silico analysis. Based on the available evidence, the clinical significance of this variant remains unclear.

NM_004655.4(AXIN2):c.1852G>C (p.Asp618His)

Gene: AXIN2 (axin 2; minus strand). Cytogenetic location: 17q24.1.
Variant type: single nucleotide variant.
Coding change: c.1852G>C on transcript NM_004655.4 (MANE Select); coding-DNA position 1852, G replaced by C.
Protein change: p.Asp618His; replaces aspartic acid 618 with histidine.
Molecular consequence: missense variant. On other transcripts: intron variant (1).
Genome position (GRCh38, 1-based): chr17:65,536,924, C>G on the plus strand (G>C on the coding strand, the complement: AXIN2 is on the minus strand). VCF-style: chr17-65536924-C-G. GRCh37 (hg19) VCF-style: chr17-63533042-C-G.
Other names: c.1713-371G>C (NM_001363813.1); c.1852G>C (NM_004655.3); short protein forms D618H.
Identifiers: ClinVar variation 1400168 (VCV001400168.9), dbSNP rs2043932509, ClinGen allele CA400676494.